The following is an entry in ClinVar:

ClinVar aggregate classification (germline): Likely benign (1 of 4 stars; one submission).

Allele frequency attached by ClinVar (database versions not stated): ExAC 0.00001; gnomAD 0.00001; gnomAD exomes 0.00002; 1000 Genomes Project 30x 0.00021; 1000 Genomes Project 0.00026.
gnomAD v4.1: 11 of 1,209,859 alleles (0.00091%); highest among the groups gnomAD compares: South Asian, 0.0088%; 1 homozygote.

Submission:

CeGaT Center for Human Genetics Tuebingen
Classification: Likely benign. Last evaluated: 2023-02-01. Review status: criteria provided, single submitter. Criteria: CeGaT Center For Human Genetics Tuebingen Variant Classification Criteria Version 2. Collection method: clinical testing. Allele origin: germline. Affected: yes. Observed: 1 variant allele.
Comment: ARSF: BP4, BP7

NM_001201539.2(ARSF):c.852T>C (p.Leu284=)

Gene: ARSF (arylsulfatase F; plus strand). Cytogenetic location: Xp22.33.
Variant type: single nucleotide variant.
Coding change: c.852T>C on transcript NM_001201539.2 (MANE Select); coding-DNA position 852, T replaced by C.
Protein change: p.Leu284=; no amino-acid change (leucine 284 retained).
Molecular consequence: synonymous variant.
Genome position (GRCh38, 1-based): chrX:3,089,517, T>C. VCF-style: chrX-3089517-T-C. GRCh37 (hg19) VCF-style: chrX-3007558-T-C.
Other names: c.852T>C, p.Leu284= (NM_001201538.2, NM_004042.5).
Identifiers: ClinVar variation 2659871 (VCV002659871.24), dbSNP rs771311235, ClinGen allele CA10338987.